The following is an entry in ClinVar:

ClinVar aggregate classification (germline): Uncertain significance (1 of 4 stars; one submission).

Allele frequency attached by ClinVar (database versions not stated): gnomAD exomes below 0.00001.
gnomAD v4.1: 1 of 1,614,224 alleles (0.000062%); highest among the groups gnomAD compares: Non-Finnish European, 0.000085%; no homozygotes.

Submission:

Labcorp Genetics (formerly Invitae), Labcorp
Classification: Uncertain significance. Last evaluated: 2023-12-17. Review status: criteria provided, single submitter. Criteria: Invitae Variant Classification Sherloc (09022015). Collection method: clinical testing. Allele origin: germline.
Comment: This sequence change replaces methionine, which is neutral and non-polar, with valine, which is neutral and non-polar, at codon 375 of the LEMD3 protein (p.Met375Val). This variant is not present in population databases (gnomAD no frequency). This variant has not been reported in the literature in individuals affected with LEMD3-related conditions. Advanced modeling of protein sequence and biophysical properties (such as structural, functional, and spatial information, amino acid conservation, physicochemical variation, residue mobility, and thermodynamic stability) performed at Invitae indicates that this missense variant is not expected to disrupt LEMD3 protein function with a negative predictive value of 80%. In summary, the available evidence is currently insufficient to determine the role of this variant in disease. Therefore, it has been classified as a Variant of Uncertain Significance.

NM_014319.5(LEMD3):c.1123A>G (p.Met375Val)

Genes: LEMD3 (LEM domain containing 3; plus strand), LOC130008225 (ATAC-STARR-seq lymphoblastoid active region 6608; plus strand). Cytogenetic location: 12q14.3.
Variant type: single nucleotide variant.
Coding change: c.1123A>G on transcript NM_014319.5 (MANE Select); coding-DNA position 1123, A replaced by G.
Protein change: p.Met375Val; replaces methionine 375 with valine.
Molecular consequence: missense variant.
Genome position (GRCh38, 1-based): chr12:65,170,719, A>G. VCF-style: chr12-65170719-A-G. GRCh37 (hg19) VCF-style: chr12-65564499-A-G.
Other names: c.1123A>G, p.Met375Val (NM_001167614.2); short protein forms M375V.
Identifiers: ClinVar variation 2799058 (VCV002799058.3), dbSNP rs2498940459, ClinGen allele CA385675077.